The following is an entry in ClinVar:

ClinVar aggregate classification (germline): Benign/Likely benign. Review status: criteria provided, multiple submitters, no conflicts (2 of 4 stars). 2 submissions from 2 submitters: Benign (1); Likely benign (1). Last evaluated 2024-10-09.

Conditions:
Hereditary diffuse gastric adenocarcinoma (HDGC). Also called: DIFFUSE GASTRIC AND LOBULAR BREAST CANCER SYNDROME. Identifiers: Orphanet 26106, MedGen C1708349, MONDO:0007648, OMIM 137215.

gnomAD v4.1: 1 of 1,583,100 alleles (0.000063%); highest among the groups gnomAD compares: Non-Finnish European, 0.000085%; no homozygotes.

Submissions (2):

Myriad Genetics, Inc.
Classification: Benign for Hereditary diffuse gastric adenocarcinoma. Last evaluated: 2024-10-09. Review status: criteria provided, single submitter. Criteria: Myriad Autosomal Dominant, Autosomal Recessive and X-Linked Classification Criteria (2023). Collection method: clinical testing. Allele origin: unknown.
Comment: This variant is considered benign. This variant is a silent/synonymous amino acid change and it is not expected to impact splicing.

Labcorp Genetics (formerly Invitae), Labcorp
Classification: Likely benign. Last evaluated: 2021-08-13. Review status: criteria provided, single submitter. Criteria: Invitae Variant Classification Sherloc (09022015). Collection method: clinical testing. Allele origin: germline.

NM_001903.5(CTNNA1):c.6T>G (p.Thr2=)

Gene: CTNNA1 (catenin alpha 1; plus strand). Cytogenetic location: 5q31.2.
Variant type: single nucleotide variant.
Coding change: c.6T>G on transcript NM_001903.5 (MANE Select); coding-DNA position 6, T replaced by G.
Protein change: p.Thr2=; no amino-acid change (threonine 2 retained).
Molecular consequence: synonymous variant. On other transcripts: 5 prime UTR variant (2).
Genome position (GRCh38, 1-based): chr5:138,781,930, T>G. VCF-style: chr5-138781930-T-G. GRCh37 (hg19) VCF-style: chr5-138117619-T-G.
Other names: c.6T>G, p.Thr2= (NM_001290307.3, NM_001323982.2, NM_001323983.1 and 3 more transcripts); c.-108T>G (NM_001290309.3); c.-201T>G (NM_001290310.3).
Identifiers: ClinVar variation 1577908 (VCV001577908.9), dbSNP rs2149651736, ClinGen allele CA446724722.
Genomic context (GRCh38, chr5:138,781,930, plus strand): 5'-ATTTCATGTTTGTGTTTGATGTTTGCCTGACTGACTTTTTGTTTCTTATTTAGAAATGAC[T>G]GCTGTCCATGCAGGCAACATAAACTTCAAGTGGGATCCTAAAAGTCTAGAGATCAGGACT-3'
Protein context (NP_001894.2, residues 1-12): M[Thr2=]AVHAGNINFK